The following is an entry in ClinVar:

NM_022098.4(XPNPEP3):c.577C>T (p.Pro193Ser)

Gene: XPNPEP3 (X-prolyl aminopeptidase 3; plus strand). Cytogenetic location: 22q13.2.
Variant type: single nucleotide variant.
Coding change: c.577C>T on transcript NM_022098.4 (MANE Select); coding-DNA position 577, C replaced by T.
Protein change: p.Pro193Ser; replaces proline 193 with serine.
Molecular consequence: missense variant.
Genome position (GRCh38, 1-based): chr22:40,882,165, C>T. VCF-style: chr22-40882165-C-T. GRCh37 (hg19) VCF-style: chr22-41278169-C-T.
Other names: short protein forms P193S.
Identifiers: ClinVar variation 3191224 (VCV003191224.2), dbSNP rs745805698, ClinGen allele CA10251660.

ClinVar aggregate classification (germline): Uncertain significance. Review status: criteria provided, multiple submitters, no conflicts (2 of 4 stars). 2 submissions from 2 submitters: Uncertain significance (2). Last evaluated 2023-11-18.

Conditions:
Nephronophthisis-like nephropathy 1 (NPHPL1). Identifiers: Orphanet 655, MedGen C3150419, MONDO:0013163, OMIM 613159.
Inborn genetic diseases. Identifiers: MedGen C0950123, MeSH D030342.

Allele frequency attached by ClinVar (database versions not stated): gnomAD exomes below 0.00001; ExAC 0.00001; TOPMed 0.00001.

Submissions (2):

Ambry Genetics
Classification: Uncertain significance for Inborn genetic diseases. Last evaluated: 2023-11-18. Review status: criteria provided, single submitter. Criteria: Ambry Variant Classification Scheme 2023. Collection method: clinical testing. Allele origin: germline.

Neuberg Centre For Genomic Medicine, NCGM
Classification: Uncertain significance for Nephronophthisis-like nephropathy 1. Last evaluated: 2023-05-20. Review status: criteria provided, single submitter. Criteria: ACMG Guidelines, 2015. Collection method: clinical testing. Allele origin: germline. Inheritance: Autosomal recessive inheritance. Affected: yes.
Comment: The observed missense variant c.577C>T(p.Pro193Ser) in XPNPEP3 gene has not been reported previously as a pathogenic variant nor as a benign variant, to our knowledge. The c.577C>T variant has 0.001% allele frequency in gnomAD Exomes. The amino acid Proline at position 193 is changed to a Serine changing protein sequence and it might alter its composition and physico-chemical properties. Multiple lines of computational evidence (Polyphen, SIFT and Mutation Taster) predict no damaging effect on protein structure and function for this variant.The reference amino acid change in XPNPEP3 is predicted as conserved by GERP++ and PhyloP across 100 vertebrates. For these reasons, this variant has been classified as Uncertain Significance.